The following is an entry in ClinVar:

ClinVar aggregate classification (germline): Uncertain significance (1 of 4 stars; one submission).

Conditions:
Hereditary cancer-predisposing syndrome. Also called: Hereditary neoplastic syndrome; Neoplastic Syndromes, Hereditary; Tumor predisposition; Hereditary Cancer Syndrome. Identifiers: Orphanet 140162, MedGen C0027672, MeSH D009386, MONDO:0015356.

Submission:

Ambry Genetics
Classification: Uncertain significance for Hereditary cancer-predisposing syndrome. Last evaluated: 2025-01-20. Review status: criteria provided, single submitter. Criteria: Ambry Variant Classification Scheme 2023. Collection method: clinical testing. Allele origin: germline.
Comment: The p.V904L variant (also known as c.2710G>C), located in coding exon 23 of the EGFR gene, results from a G to C substitution at nucleotide position 2710. The valine at codon 904 is replaced by leucine, an amino acid with highly similar properties. This amino acid position is conserved. In addition, the in silico prediction for this alteration is inconclusive. Based on the available evidence, the clinical significance of this variant remains unclear.

NM_005228.5(EGFR):c.2710G>C (p.Val904Leu)

Gene: EGFR (epidermal growth factor receptor; plus strand). Cytogenetic location: 7p11.2.
Variant type: single nucleotide variant.
Coding change: c.2710G>C on transcript NM_005228.5 (MANE Select); coding-DNA position 2710, G replaced by C.
Protein change: p.Val904Leu; replaces valine 904 with leucine.
Molecular consequence: missense variant.
Genome position (GRCh38, 1-based): chr7:55,198,725, G>C. VCF-style: chr7-55198725-G-C. GRCh37 (hg19) VCF-style: chr7-55266418-G-C.
Other names: c.2575G>C, p.Val859Leu (NM_001346897.2, NM_001346899.2); c.2710G>C, p.Val904Leu (NM_001346898.2); c.2551G>C, p.Val851Leu (NM_001346900.2); c.1909G>C, p.Val637Leu (NM_001346941.2); short protein forms V859L, V904L, V851L, V637L.
Identifiers: ClinVar variation 3843807 (VCV003843807.1).